The following is an entry in ClinVar:

NM_001987.5(ETV6):c.463+2T>C

Gene: ETV6 (ETS variant transcription factor 6; plus strand). Cytogenetic location: 12p13.2.
Variant type: single nucleotide variant.
Coding change: c.463+2T>C on transcript NM_001987.5 (MANE Select); the canonical splice donor site of the intron after coding-DNA position 463, T replaced by C.
Molecular consequence: splice donor variant.
Genome position (GRCh38, 1-based): chr12:11,853,563, T>C. VCF-style: chr12-11853563-T-C. GRCh37 (hg19) VCF-style: chr12-12006497-T-C.
Other names: c.436+2T>C (NM_001413914.1); c.463+2T>C (NM_001413917.1, NM_001413916.1); c.460+2T>C (NM_001413913.1); c.199+2T>C (NM_001413915.1).
Identifiers: ClinVar variation 3633277 (VCV003633277.2).

ClinVar aggregate classification (germline): Likely pathogenic (1 of 4 stars; one submission).

Submission:

Labcorp Genetics (formerly Invitae), Labcorp
Classification: Likely pathogenic. Last evaluated: 2024-01-25. Review status: criteria provided, single submitter. Criteria: Invitae Variant Classification Sherloc (09022015). Collection method: clinical testing. Allele origin: germline.
Comment: This sequence change affects a donor splice site in intron 4 of the ETV6 gene. It is expected to disrupt RNA splicing. Variants that disrupt the donor or acceptor splice site typically lead to a loss of protein function (PMID: 16199547), and loss-of-function variants in ETV6 are known to be pathogenic (PMID: 26102509, 27365488, 29034503). This variant is not present in population databases (gnomAD no frequency). This variant has not been reported in the literature in individuals affected with ETV6-related conditions. Algorithms developed to predict the effect of sequence changes on RNA splicing suggest that this variant may disrupt the consensus splice site. In summary, the currently available evidence indicates that the variant is pathogenic, but additional data are needed to prove that conclusively. Therefore, this variant has been classified as Likely Pathogenic.

Literature cited by the submitters: PubMed 16199547; PubMed 26102509; PubMed 27365488; PubMed 29034503.